The following is an entry in ClinVar:

ClinVar aggregate classification (germline): Conflicting classifications of pathogenicity. Review status: criteria provided, conflicting classifications (1 of 4 stars). 5 submissions from 5 submitters: Pathogenic (1); Likely pathogenic (2); Uncertain significance (1). 1 of the submissions does not count toward it. Last evaluated 2025-05-05.

Conditions:
Pseudohypoaldosteronism type 2C (PHA2C). Also called: Pseudohypoaldosteronism Type IIC. Identifiers: Orphanet 757, Orphanet 88940, MedGen C1840391, MONDO:0013778, OMIM 614492.
Neuropathy, hereditary sensory and autonomic, type 2A (HSAN2A). Also called: ACROOSTEOLYSIS, GIACCAI TYPE; ACROOSTEOLYSIS, NEUROGENIC; MORVAN DISEASE; NEUROPATHY, CONGENITAL SENSORY; NEUROPATHY, HEREDITARY SENSORY RADICULAR, AUTOSOMAL RECESSIVE; NEUROPATHY, HEREDITARY SENSORY, TYPE IIA. Identifiers: Orphanet 970, MedGen C2752089, MONDO:0024309, OMIM 201300.

Submissions (5):

First Genomix Gene Laboratory, Genetic Diagnostics Department
Classification: Likely pathogenic for Neuropathy, hereditary sensory and autonomic, type 2A. Last evaluated: 2025-05-05. Review status: criteria provided, single submitter. Criteria: ACMG Guidelines, 2015. Collection method: clinical testing. Allele origin: germline. Inheritance: Autosomal recessive inheritance. Affected: no. Observed: 1 variant allele.

Genomic Medicine Center of Excellence, King Faisal Specialist Hospital and Research Centre
Classification: Likely pathogenic for Neuropathy, hereditary sensory and autonomic, type 2A. Last evaluated: 2024-09-22. Review status: criteria provided, single submitter. Criteria: ACMG Guidelines, 2015. Collection method: clinical testing. Allele origin: germline.

Labcorp Genetics (formerly Invitae), Labcorp
Classification: Uncertain significance for Neuropathy, hereditary sensory and autonomic, type 2A; Pseudohypoaldosteronism type 2C. Last evaluated: 2023-06-04. Review status: criteria provided, single submitter. Criteria: Invitae Variant Classification Sherloc (09022015). Collection method: clinical testing. Allele origin: germline.
Comment: In summary, the available evidence is currently insufficient to determine the role of this variant in disease. Therefore, it has been classified as a Variant of Uncertain Significance. This sequence change creates a premature translational stop signal (p.Thr744Hisfs*27) in the WNK1 gene. However, it is currently unclear if variants that occur in this region of the gene cause disease. The frequency data for this variant in the population databases is considered unreliable, as metrics indicate poor data quality at this position in the gnomAD database. This variant has not been reported in the literature in individuals affected with WNK1-related conditions. ClinVar contains an entry for this variant (Variation ID: 852702). Experimental studies and prediction algorithms are not available or were not evaluated, and the functional significance of this variant is currently unknown.

GeneDx
Classification: Pathogenic. Last evaluated: 2023-03-21. Review status: criteria provided, single submitter. Criteria: GeneDx Variant Classification Process June 2021. Collection method: clinical testing. Allele origin: germline. Affected: yes.
Comment: Frameshift variant predicted to result in protein truncation or nonsense mediated decay in a gene for which loss of function is a known mechanism of disease; Not observed at significant frequency in large population cohorts (gnomAD); Also known as c.2226dupC; This variant is associated with the following publications: (PMID: 28600779)

Clinical Laboratory Sciences Program (CLSP), King Saud bin Abdulaziz University for Health Sciences (KSAU-HS)
Classification: Likely pathogenic for Neuropathy, hereditary sensory and autonomic, type 2A. Review status: no assertion criteria provided. Collection method: clinical testing. Allele origin: germline. Affected: yes. Not counted in ClinVar's aggregate classification.

NM_213655.5(WNK1):c.2229dup (p.Thr744fs)

Gene: WNK1 (WNK lysine deficient protein kinase 1; plus strand). Cytogenetic location: 12p13.33.
Variant type: Duplication.
Coding change: c.2229dup on transcript NM_213655.5 (MANE Plus Clinical); coding-DNA position 2229, one base duplicated (C; older notation c.2229dupC).
Protein change: p.Thr744fs; shifts the reading frame from threonine 744.
Molecular consequence: frameshift variant. On other transcripts: intron variant (3).
Genome position (GRCh38, 1-based): chr12:865,199, C duplicated; the last of 4 consecutive C bases (chr12:865,196-865,199); duplicating any one gives the same sequence. VCF-style (leftmost placement, unchanged base first): chr12-865195-A-AC. GRCh37 (hg19) VCF-style: chr12-974361-A-AC.
Other names: c.2229dup (NM_213655.3); c.2140-2667dup (NM_001184985.1, NM_001184985.2); c.2139+2929dup (NM_018979.4, NM_014823.3); short protein forms T744fs.
Identifiers: ClinVar variation 852702 (VCV000852702.31), dbSNP rs1307515994, ClinGen allele CA603036564.